The following is an entry in ClinVar:

NM_018127.7(ELAC2):c.1392GAG[1] (p.Arg465del)

Gene: ELAC2 (elaC ribonuclease Z 2; minus strand). Cytogenetic location: 17p12.
Variant type: Microsatellite.
Coding change: c.1392GAG[1] on transcript NM_018127.7 (MANE Select); one copy of the 3-base unit GAG starting at c.1392; the reference has two copies in a row; one copy, 3 bases deleted.
Protein change: p.Arg465del; deletes arginine 465.
Molecular consequence: inframe deletion.
Genome position (GRCh38, 1-based): chr17:13,000,182-13,000,184, CTC deleted on the plus strand (GAG on the coding strand, the reverse complement: ELAC2 is on the minus strand); deleting any 3 consecutive bases within chr17:13,000,182-13,000,189 gives the same sequence; the position shown is the placement nearest the transcript's 3' end. VCF-style (leftmost placement, unchanged base first): chr17-13000181-ACTC-A. GRCh37 (hg19) VCF-style: chr17-12903498-ACTC-A.
Other names: c.1272GAG[1], p.Arg425del (NM_001165962.2); c.1389GAG[1], p.Arg464del (NM_173717.2); short protein forms R464del, R425del, R465del.
Identifiers: ClinVar variation 1522198 (VCV001522198.3), dbSNP rs758221167, ClinGen allele CA8401227.

ClinVar aggregate classification (germline): Uncertain significance (1 of 4 stars; one submission).

Conditions:
Combined oxidative phosphorylation defect type 17. Also called: Combined oxidative phosphorylation deficiency 17. Identifiers: Orphanet 369913, MedGen C3809526, MONDO:0014190, OMIM 615440.

Submission:

Labcorp Genetics (formerly Invitae), Labcorp
Classification: Uncertain significance for Combined oxidative phosphorylation defect type 17. Last evaluated: 2021-08-24. Review status: criteria provided, single submitter. Criteria: Invitae Variant Classification Sherloc (09022015). Collection method: clinical testing. Allele origin: germline.
Comment: This variant, c.1395_1397del, results in the deletion of 1 amino acid(s) of the ELAC2 protein (p.Arg465del), but otherwise preserves the integrity of the reading frame. This variant is present in population databases (rs758221167, ExAC 0.02%). This variant has not been reported in the literature in individuals affected with ELAC2-related conditions. Experimental studies and prediction algorithms are not available or were not evaluated, and the functional significance of this variant is currently unknown. In summary, the available evidence is currently insufficient to determine the role of this variant in disease. Therefore, it has been classified as a Variant of Uncertain Significance.